The following is an entry in ClinVar:

NM_001170629.2(CHD8):c.6537C>T (p.Ser2179=)

Gene: CHD8 (chromodomain helicase DNA binding protein 8; minus strand). Cytogenetic location: 14q11.2.
Variant type: single nucleotide variant.
Coding change: c.6537C>T on transcript NM_001170629.2 (MANE Select); coding-DNA position 6537, C replaced by T.
Protein change: p.Ser2179=; no amino-acid change (serine 2179 retained).
Molecular consequence: synonymous variant.
Genome position (GRCh38, 1-based): chr14:21,392,741, G>A on the plus strand (C>T on the coding strand, the complement: CHD8 is on the minus strand). VCF-style: chr14-21392741-G-A. GRCh37 (hg19) VCF-style: chr14-21860900-G-A.
Other names: c.5700C>T, p.Ser1900= (NM_020920.4).
Identifiers: ClinVar variation 588066 (VCV000588066.19), dbSNP rs61756312, ClinGen allele CA7090759.
Genomic context (GRCh38, chr14:21,392,741, plus strand): 5'-GTCTAGCAAGTGGTTGCCTGGCCCCAAAATTCCTCCTGTTACCATTTCCTGGCTCCTACG[G>A]CTAGAAGGCCACTTCCCTGAGAGTACAGCCTGGCAGACGAGGTCAATACGGTTTATCAGG-3'
Protein context (NP_001164100.1, residues 2169-2189): QAVLSGKWPS[Ser2179=]RRSQEMVTGG

ClinVar aggregate classification (germline): Benign. Review status: criteria provided, multiple submitters, no conflicts (2 of 4 stars). 5 submissions from 5 submitters: Benign (4). 1 of the submissions does not count toward it. Last evaluated 2026-01-28.

Conditions:
CHD8-related disorder. Also called: CHD8-related disorders; CHD8-related condition.
Inborn genetic diseases. Identifiers: MedGen C0950123, MeSH D030342.

Allele frequency attached by ClinVar (database versions not stated): gnomAD exomes 0.00133 and 0.00338; ExAC 0.00412; gnomAD 0.01370 and 0.01457; ESP Exome Variant Server 0.01445; TOPMed 0.01454; 1000 Genomes Project 0.01677; 1000 Genomes Project 30x 0.01733.
gnomAD v4.1: 4,100 of 1,613,954 alleles (0.25%); highest among the groups gnomAD compares: African/African-American, 4.9%; 109 homozygotes.

Submissions (5):

Labcorp Genetics (formerly Invitae), Labcorp
Classification: Benign. Last evaluated: 2026-01-28. Review status: criteria provided, single submitter. Criteria: Invitae Variant Classification Sherloc (09022015). Collection method: clinical testing. Allele origin: germline.

GeneDx
Classification: Benign. Last evaluated: 2019-08-06. Review status: criteria provided, single submitter. Criteria: GeneDx Variant Classification Process June 2021. Collection method: clinical testing. Allele origin: germline. Affected: yes.

Ambry Genetics
Classification: Benign for Inborn genetic diseases. Last evaluated: 2017-11-02. Review status: criteria provided, single submitter. Criteria: Ambry Variant Classification Scheme 2023. Collection method: clinical testing. Allele origin: germline.

Breakthrough Genomics
Classification: Benign. Review status: criteria provided, single submitter. Criteria: ACMG Guidelines, 2015. Collection method: not provided. Allele origin: germline. Inheritance: Autosomal dominant inheritance. Affected: yes.

PreventionGenetics, part of Exact Sciences
Classification: Benign for CHD8-related condition. Last evaluated: 2020-01-20. Review status: no assertion criteria provided. Collection method: clinical testing. Allele origin: germline. Not counted in ClinVar's aggregate classification.
Comment: This variant is classified as benign based on ACMG/AMP sequence variant interpretation guidelines (Richards et al. 2015 PMID: 25741868, with internal and published modifications).